The following is an entry in ClinVar:

ClinVar aggregate classification (germline): Uncertain significance. Review status: criteria provided, multiple submitters, no conflicts (2 of 4 stars). 2 submissions from 2 submitters: Uncertain significance (2). Last evaluated 2022-09-04.

Conditions:
Inborn genetic diseases. Identifiers: MedGen C0950123, MeSH D030342.

gnomAD v4.1: 1 of 1,210,674 alleles (0.000083%); highest among the groups gnomAD compares: African/African-American, 0.0017%; no homozygotes.

Submissions (2):

Labcorp Genetics (formerly Invitae), Labcorp
Classification: Uncertain significance. Last evaluated: 2022-09-04. Review status: criteria provided, single submitter. Criteria: Invitae Variant Classification Sherloc (09022015). Collection method: clinical testing. Allele origin: germline.
Comment: ClinVar contains an entry for this variant (Variation ID: 522140). This variant has not been reported in the literature in individuals affected with STAG2-related conditions. This variant is not present in population databases (gnomAD no frequency). This sequence change replaces proline, which is neutral and non-polar, with serine, which is neutral and polar, at codon 1113 of the STAG2 protein (p.Pro1113Ser). Algorithms developed to predict the effect of missense changes on protein structure and function are either unavailable or do not agree on the potential impact of this missense change (SIFT: "Deleterious"; PolyPhen-2: "Probably Damaging"; Align-GVGD: "Class C0"). In summary, the available evidence is currently insufficient to determine the role of this variant in disease. Therefore, it has been classified as a Variant of Uncertain Significance.

Ambry Genetics
Classification: Uncertain significance for Inborn genetic diseases. Last evaluated: 2017-10-10. Review status: criteria provided, single submitter. Criteria: Ambry exome assertion method (8-5-2015). Collection method: clinical testing. Allele origin: germline. Affected: yes. Observed: 1 variant allele.

NM_001042750.2(STAG2):c.3337C>T (p.Pro1113Ser)

Gene: STAG2 (STAG2 cohesin complex component; plus strand). Cytogenetic location: Xq25.
Variant type: single nucleotide variant.
Coding change: c.3337C>T on transcript NM_001042750.2 (MANE Select); coding-DNA position 3337, C replaced by T.
Protein change: p.Pro1113Ser; replaces proline 1113 with serine.
Molecular consequence: missense variant.
Genome position (GRCh38, 1-based): chrX:124,090,634, C>T. VCF-style: chrX-124090634-C-T. GRCh37 (hg19) VCF-style: chrX-123224484-C-T.
Other names: c.3337C>T, p.Pro1113Ser (NM_001042749.2, NM_001042751.2, NM_001282418.2 and 2 more transcripts); short protein forms P1113S.
Identifiers: ClinVar variation 522140 (VCV000522140.8), dbSNP rs1556571924, ClinGen allele CA414281361.